The following is an entry in ClinVar:

NM_032578.4(MYPN):c.3794-57C>T

Gene: MYPN (myopalladin; plus strand). Cytogenetic location: 10q21.3.
Variant type: single nucleotide variant.
Coding change: c.3794-57C>T on transcript NM_032578.4 (MANE Select); 57 bases into the intron before coding-DNA position 3794, C replaced by T.
Molecular consequence: intron variant.
Genome position (GRCh38, 1-based): chr10:68,210,229, C>T. VCF-style: chr10-68210229-C-T. GRCh37 (hg19) VCF-style: chr10-69969986-C-T.
Other names: c.3794-57C>T (NM_001256267.2); c.2912-57C>T (NM_001256268.2).
Identifiers: ClinVar variation 673052 (VCV000673052.2), dbSNP rs10998022, ClinGen allele CA13222941.
Genomic context (GRCh38, chr10:68,210,229, plus strand): 5'-ATATGCTTTACCAAGAATGCTCAGGGAGAATCGGGGTGAGGACAGAATGCACCTCTGCAG[C>T]GTACATGCTGGACTGCATTCCTTTGATCATAACACATTATTTGGTCCATTTTCCAGCTCA-3'

ClinVar aggregate classification (germline): Benign. Review status: criteria provided, multiple submitters, no conflicts (2 of 4 stars). 2 submissions from 2 submitters: Benign (2). Last evaluated 2018-06-15.

Allele frequency attached by ClinVar (database versions not stated): gnomAD 0.26017 and 0.26659; TOPMed 0.26525; 1000 Genomes Project 30x 0.27701; 1000 Genomes Project 0.28574; gnomAD exomes 0.31898.
gnomAD v4.1: 499,294 of 1,588,118 alleles (31%); highest among the groups gnomAD compares: East Asian, 42%; 80,865 homozygotes.

Submissions (2):

GeneDx
Classification: Benign. Last evaluated: 2018-06-15. Review status: criteria provided, single submitter. Criteria: GeneDx Variant Classification (06012015). Collection method: clinical testing. Allele origin: germline. Affected: yes.
Comment: This variant is considered likely benign or benign based on one or more of the following criteria: it is a conservative change, it occurs at a poorly conserved position in the protein, it is predicted to be benign by multiple in silico algorithms, and/or has population frequency not consistent with disease.

Breakthrough Genomics
Classification: Benign. Review status: criteria provided, single submitter. Criteria: ACMG Guidelines, 2015. Collection method: not provided. Allele origin: germline. Inheritance: Autosomal recessive inheritance. Affected: yes.